The following is an entry in ClinVar:

ClinVar aggregate classification (germline): Uncertain significance (1 of 4 stars; one submission).

gnomAD v4.1: 1 of 1,614,012 alleles (0.000062%); highest among the groups gnomAD compares: Non-Finnish European, 0.000085%; no homozygotes.

Submission:

GeneDx
Classification: Uncertain significance. Last evaluated: 2021-05-28. Review status: criteria provided, single submitter. Criteria: GeneDx Variant Classification Process June 2021. Collection method: clinical testing. Allele origin: germline. Affected: yes.
Comment: Not observed at significant frequency in large population cohorts (Lek et al., 2016); In silico analysis supports that this missense variant has a deleterious effect on protein structure/function; In-silico analysis is inconclusive as to whether the variant alters gene splicing. In the absence of RNA/functional studies, the actual effect of this sequence change is unknown.; Has not been previously published as pathogenic or benign to our knowledge; This variant is associated with the following publications: (PMID: 27535533)

NM_003041.4(SLC5A2):c.295G>C (p.Glu99Gln)

Gene: SLC5A2 (solute carrier family 5 member 2; plus strand). Cytogenetic location: 16p11.2.
Variant type: single nucleotide variant.
Coding change: c.295G>C on transcript NM_003041.4 (MANE Select); coding-DNA position 295, G replaced by C.
Protein change: p.Glu99Gln; replaces glutamic acid 99 with glutamine.
Molecular consequence: missense variant. On other transcripts: non-coding transcript variant (1).
Genome position (GRCh38, 1-based): chr16:31,484,915, G>C. VCF-style: chr16-31484915-G-C. GRCh37 (hg19) VCF-style: chr16-31496236-G-C.
Other names: short protein forms E99Q.
Identifiers: ClinVar variation 1326666 (VCV001326666.2), dbSNP rs2082483999, ClinGen allele CA395751848.